The following is an entry in ClinVar:

NM_001928.4(CFD):c.418_441del (p.Arg140_Leu147del)

Gene: CFD (complement factor D; plus strand). Cytogenetic location: 19p13.3.
Variant type: Deletion.
Coding change: c.418_441del on transcript NM_001928.4 (MANE Select); coding-DNA positions 418 to 441, 24 bases deleted (CGCGACGTGGCACCGGGAACTCTC).
Protein change: p.Arg140_Leu147del.
Molecular consequence: inframe deletion.
Genome position (GRCh38, 1-based): chr19:861,759-861,782, CGCGACGTGGCACCGGGAACTCTC deleted; deleting any 24 consecutive bases within chr19:861,758-861,782 gives the same sequence; the c. name uses the placement nearest the transcript's 3' end. VCF-style (leftmost placement, unchanged base first): chr19-861757-ACCGCGACGTGGCACCGGGAACTCT-A. GRCh37 (hg19) VCF-style: chr19-861757-ACCGCGACGTGGCACCGGGAACTCT-A.
Other names: c.439_462del, p.Arg147_Leu154del (NM_001317335.2).
Identifiers: ClinVar variation 1496195 (VCV001496195.7), dbSNP rs770359619, ClinGen allele CA9026358.

ClinVar aggregate classification (germline): Uncertain significance (1 of 4 stars; one submission).

Submission:

Labcorp Genetics (formerly Invitae), Labcorp
Classification: Uncertain significance. Last evaluated: 2021-04-24. Review status: criteria provided, single submitter. Criteria: Invitae Variant Classification Sherloc (09022015). Collection method: clinical testing. Allele origin: germline.
Comment: In summary, the available evidence is currently insufficient to determine the role of this variant in disease. Therefore, it has been classified as a Variant of Uncertain Significance. Experimental studies and prediction algorithms are not available or were not evaluated, and the functional significance of this variant is currently unknown. This variant has not been reported in the literature in individuals with CFD-related conditions. The frequency data for this variant in the population databases is considered unreliable, as metrics indicate poor data quality at this position in the ExAC database. This variant, c.418_441del, results in the deletion of 8 amino acid(s) of the CFD protein (p.Arg140_Leu147del), but otherwise preserves the integrity of the reading frame.